The following is an entry in ClinVar:

ClinVar aggregate classification (germline): Benign (1 of 4 stars; one submission).

Allele frequency attached by ClinVar (database versions not stated): gnomAD 0.20475 and 0.21223; TOPMed 0.21181; 1000 Genomes Project 30x 0.24625; 1000 Genomes Project 0.25220.
gnomAD v4.1: 32,143 of 151,680 alleles (21%); highest among the groups gnomAD compares: East Asian, 38%; 3,613 homozygotes.

Submission:

GeneDx
Classification: Benign. Last evaluated: 2018-06-14. Review status: criteria provided, single submitter. Criteria: GeneDx Variant Classification (06012015). Collection method: clinical testing. Allele origin: germline. Affected: yes.
Comment: This variant is considered likely benign or benign based on one or more of the following criteria: it is a conservative change, it occurs at a poorly conserved position in the protein, it is predicted to be benign by multiple in silico algorithms, and/or has population frequency not consistent with disease.

NM_182961.4(SYNE1):c.4149+270G>A

Gene: SYNE1 (spectrin repeat containing nuclear envelope protein 1; minus strand). Cytogenetic location: 6q25.2.
Variant type: single nucleotide variant.
Coding change: c.4149+270G>A on transcript NM_182961.4 (MANE Select); 270 bases into the intron after coding-DNA position 4149, G replaced by A.
Molecular consequence: intron variant.
Genome position (GRCh38, 1-based): chr6:152,440,860, C>T on the plus strand (G>A on the coding strand, the complement: SYNE1 is on the minus strand). VCF-style: chr6-152440860-C-T. GRCh37 (hg19) VCF-style: chr6-152761995-C-T.
Other names: c.4170+270G>A (NM_033071.5).
Identifiers: ClinVar variation 683911 (VCV000683911.1), dbSNP rs214998, ClinGen allele CA12213452.